The following is an entry in ClinVar:

ClinVar aggregate classification (germline): Uncertain significance (1 of 4 stars; one submission).

Submission:

Labcorp Genetics (formerly Invitae), Labcorp
Classification: Uncertain significance. Last evaluated: 2024-06-11. Review status: criteria provided, single submitter. Criteria: Invitae Variant Classification Sherloc (09022015). Collection method: clinical testing. Allele origin: germline.
Comment: This sequence change replaces alanine, which is neutral and non-polar, with proline, which is neutral and non-polar, at codon 759 of the A2ML1 protein (p.Ala759Pro). This variant is not present in population databases (gnomAD no frequency). This variant has not been reported in the literature in individuals affected with A2ML1-related conditions. An algorithm developed to predict the effect of missense changes on protein structure and function (PolyPhen-2) suggests that this variant is likely to be disruptive. In summary, the available evidence is currently insufficient to determine the role of this variant in disease. Therefore, it has been classified as a Variant of Uncertain Significance.

NM_144670.6(A2ML1):c.2275G>C (p.Ala759Pro)

Gene: A2ML1 (alpha-2-macroglobulin like 1; plus strand). Cytogenetic location: 12p13.31.
Variant type: single nucleotide variant.
Coding change: c.2275G>C on transcript NM_144670.6 (MANE Select); coding-DNA position 2275, G replaced by C.
Protein change: p.Ala759Pro; replaces alanine 759 with proline.
Molecular consequence: missense variant.
Genome position (GRCh38, 1-based): chr12:8,851,824, G>C. VCF-style: chr12-8851824-G-C. GRCh37 (hg19) VCF-style: chr12-9004420-G-C.
Other names: c.802G>C, p.Ala268Pro (NM_001282424.3); short protein forms A268P, A759P.
Identifiers: ClinVar variation 3626353 (VCV003626353.2).